The following is an entry in ClinVar:

ClinVar aggregate classification (germline): Uncertain significance (1 of 4 stars; one submission).

Conditions:
Multiple endocrine neoplasia type 4. Also called: MULTIPLE ENDOCRINE NEOPLASIA, TYPE IV. Identifiers: Orphanet 276152, MedGen C1970712, MONDO:0012552, OMIM 610755.

Submission:

Labcorp Genetics (formerly Invitae), Labcorp
Classification: Uncertain significance for Multiple endocrine neoplasia type 4. Last evaluated: 2021-10-08. Review status: criteria provided, single submitter. Criteria: Invitae Variant Classification Sherloc (09022015). Collection method: clinical testing. Allele origin: germline.
Comment: In summary, the available evidence is currently insufficient to determine the role of this variant in disease. Therefore, it has been classified as a Variant of Uncertain Significance. This sequence change replaces histidine with tyrosine at codon 67 of the CDKN1B protein (p.His67Tyr). The histidine residue is highly conserved and there is a moderate physicochemical difference between histidine and tyrosine. This variant is not present in population databases (ExAC no frequency). This variant has not been reported in the literature in individuals affected with CDKN1B-related conditions. Algorithms developed to predict the effect of missense changes on protein structure and function are either unavailable or do not agree on the potential impact of this missense change (SIFT: "Deleterious"; PolyPhen-2: "Benign"; Align-GVGD: "Class C65").

NM_004064.5(CDKN1B):c.199C>T (p.His67Tyr)

Gene: CDKN1B (cyclin dependent kinase inhibitor 1B; plus strand). Cytogenetic location: 12p13.1.
Variant type: single nucleotide variant.
Coding change: c.199C>T on transcript NM_004064.5 (MANE Select); coding-DNA position 199, C replaced by T.
Protein change: p.His67Tyr; replaces histidine 67 with tyrosine.
Molecular consequence: missense variant.
Genome position (GRCh38, 1-based): chr12:12,718,038, C>T. VCF-style: chr12-12718038-C-T. GRCh37 (hg19) VCF-style: chr12-12870972-C-T.
Other names: short protein forms H67Y.
Identifiers: ClinVar variation 1501026 (VCV001501026.5), dbSNP rs867208075, ClinGen allele CA383969455.